The following is an entry in ClinVar:

ClinVar aggregate classification (germline): Conflicting classifications of pathogenicity. Review status: criteria provided, conflicting classifications (1 of 4 stars). 2 submissions from 2 submitters: Uncertain significance (1); Likely benign (1). Last evaluated 2025-08-04.

Allele frequency attached by ClinVar (database versions not stated): gnomAD exomes 0.00015 and 0.00037; ExAC 0.00059; ESP Exome Variant Server 0.00131; 1000 Genomes Project 0.00160; gnomAD 0.00169 and 0.00179; TOPMed 0.00196; 1000 Genomes Project 30x 0.00203.
gnomAD v4.1: 484 of 1,613,430 alleles (0.03%); highest among the groups gnomAD compares: African/African-American, 0.57%; no homozygotes.

Submissions (2):

Ambry Genetics
Classification: Uncertain significance. Last evaluated: 2025-08-04. Review status: criteria provided, single submitter. Criteria: Ambry Variant Classification Scheme 2023. Collection method: clinical testing. Allele origin: germline.

GeneDx
Classification: Likely benign. Last evaluated: 2018-02-22. Review status: criteria provided, single submitter. Criteria: GeneDx Variant Classification (06012015). Collection method: clinical testing. Allele origin: germline. Affected: yes.
Comment: This variant is considered likely benign or benign based on one or more of the following criteria: it is a conservative change, it occurs at a poorly conserved position in the protein, it is predicted to be benign by multiple in silico algorithms, and/or has population frequency not consistent with disease.

NM_001347995.2(ENTREP1):c.1763C>T (p.Ala588Val)

Gene: ENTREP1 (endosomal transmembrane epsin interactor 1; plus strand). Cytogenetic location: 9q21.12.
Variant type: single nucleotide variant.
Coding change: c.1763C>T on transcript NM_001347995.2 (MANE Select); coding-DNA position 1763, C replaced by T.
Protein change: p.Ala588Val; replaces alanine 588 with valine.
Molecular consequence: missense variant.
Genome position (GRCh38, 1-based): chr9:69,391,755, C>T. VCF-style: chr9-69391755-C-T. GRCh37 (hg19) VCF-style: chr9-72006671-C-T.
Other names: c.1304C>T (NM_004816.3); c.1304C>T, p.Ala435Val (NM_001127608.3, NM_004816.5); short protein forms A435V, A588V.
Identifiers: ClinVar variation 514986 (VCV000514986.3), dbSNP rs145135759, ClinGen allele CA5074582.